The following is an entry in ClinVar:

ClinVar aggregate classification (germline): Uncertain significance (1 of 4 stars; one submission).

Conditions:
Emery-Dreifuss muscular dystrophy 5, autosomal dominant (EDMD5). Also called: EMERY-DREIFUSS MUSCULAR DYSTROPHY 5. Identifiers: Orphanet 261, MedGen C2751805, MONDO:0013072, OMIM 612999.

Submission:

Labcorp Genetics (formerly Invitae), Labcorp
Classification: Uncertain significance for Emery-Dreifuss muscular dystrophy 5, autosomal dominant. Last evaluated: 2024-02-23. Review status: criteria provided, single submitter. Criteria: Invitae Variant Classification Sherloc (09022015). Collection method: clinical testing. Allele origin: germline.
Comment: This sequence change replaces serine, which is neutral and polar, with arginine, which is basic and polar, at codon 4948 of the SYNE2 protein (p.Ser4948Arg). This variant is not present in population databases (gnomAD no frequency). This variant has not been reported in the literature in individuals affected with SYNE2-related conditions. An algorithm developed to predict the effect of missense changes on protein structure and function (PolyPhen-2) suggests that this variant is likely to be disruptive. In summary, the available evidence is currently insufficient to determine the role of this variant in disease. Therefore, it has been classified as a Variant of Uncertain Significance.

NM_182914.3(SYNE2):c.14844T>G (p.Ser4948Arg)

Gene: SYNE2 (spectrin repeat containing nuclear envelope protein 2; plus strand). Cytogenetic location: 14q23.2.
Variant type: single nucleotide variant.
Coding change: c.14844T>G on transcript NM_182914.3 (MANE Select); coding-DNA position 14844, T replaced by G.
Protein change: p.Ser4948Arg; replaces serine 4948 with arginine.
Molecular consequence: missense variant.
Genome position (GRCh38, 1-based): chr14:64,139,941, T>G. VCF-style: chr14-64139941-T-G. GRCh37 (hg19) VCF-style: chr14-64606659-T-G.
Other names: c.14844T>G, p.Ser4948Arg (NM_015180.6); short protein forms S4948R.
Identifiers: ClinVar variation 3718885 (VCV003718885.2).